The following is an entry in ClinVar:

NM_001378964.1(CDON):c.640+5G>A

Gene: CDON (cell adhesion associated, oncogene regulated; minus strand). Cytogenetic location: 11q24.2.
Variant type: single nucleotide variant.
Coding change: c.640+5G>A on transcript NM_001378964.1 (MANE Select); 5 bases into the intron after coding-DNA position 640, G replaced by A.
Molecular consequence: intron variant.
Genome position (GRCh38, 1-based): chr11:126,018,325, C>T on the plus strand (G>A on the coding strand, the complement: CDON is on the minus strand). VCF-style: chr11-126018325-C-T. GRCh37 (hg19) VCF-style: chr11-125888220-C-T.
Other names: c.640+5G>A (NM_001441166.1, NM_016952.6, NM_001243597.3 and 5 more transcripts).
Identifiers: ClinVar variation 1334698 (VCV001334698.4), dbSNP rs2134676507, ClinGen allele CA2573053450.
Genomic context (GRCh38, chr11:126,018,325, plus strand): 5'-TCATTGCCCAACTTTTTATGAGGACTCTTCCTCTTCCAGTTACCATTATTCTCCCAAATA[C>T]TTACGACTCACAAGGAGCTTTCGGCCAATAGGTTCAACTTTTAATTGATGTGTGACAGGA-3'

ClinVar aggregate classification (germline): Uncertain significance (1 of 4 stars; one submission).

Submission:

Greenwood Genetic Center Diagnostic Laboratories, Greenwood Genetic Center
Classification: Uncertain significance. Last evaluated: 2021-12-17. Review status: criteria provided, single submitter. Criteria: ACMG Guidelines, 2015. Collection method: clinical testing. Allele origin: germline. Affected: yes.
Comment: PM2